The following is an entry in ClinVar:

NM_001305581.2(LRMDA):c.258+5C>T

Genes: LRMDA (leucine rich melanocyte differentiation associated; plus strand), LOC110121427 (VISTA enhancer hs1679; plus strand). Cytogenetic location: 10q22.3.
Variant type: single nucleotide variant.
Coding change: c.258+5C>T on transcript NM_001305581.2 (MANE Select); 5 bases into the intron after coding-DNA position 258, C replaced by T.
Molecular consequence: intron variant.
Genome position (GRCh38, 1-based): chr10:76,036,139, C>T. VCF-style: chr10-76036139-C-T. GRCh37 (hg19) VCF-style: chr10-77795897-C-T.
Other names: c.174+5C>T (NM_032024.5).
Identifiers: ClinVar variation 2123554 (VCV002123554.2), dbSNP rs778145566, ClinGen allele CA5567553.

ClinVar aggregate classification (germline): Uncertain significance (1 of 4 stars; one submission).

Allele frequency attached by ClinVar (database versions not stated): TOPMed below 0.00001; gnomAD exomes 0.00005.
gnomAD v4.1: 73 of 1,612,322 alleles (0.0045%); highest among the groups gnomAD compares: Non-Finnish European, 0.0062%; no homozygotes.

Submission:

Labcorp Genetics (formerly Invitae), Labcorp
Classification: Uncertain significance. Last evaluated: 2022-08-03. Review status: criteria provided, single submitter. Criteria: Invitae Variant Classification Sherloc (09022015). Collection method: clinical testing. Allele origin: germline.
Comment: In summary, the available evidence is currently insufficient to determine the role of this variant in disease. Therefore, it has been classified as a Variant of Uncertain Significance. Variants that disrupt the consensus splice site are a relatively common cause of aberrant splicing (PMID: 17576681, 9536098). Algorithms developed to predict the effect of sequence changes on RNA splicing suggest that this variant may disrupt the consensus splice site. This variant has not been reported in the literature in individuals affected with C10orf11-related conditions. This variant is present in population databases (rs778145566, gnomAD 0.002%). This sequence change falls in intron 2 of the C10orf11 gene. It does not directly change the encoded amino acid sequence of the C10orf11 protein. It affects a nucleotide within the consensus splice site.

Literature cited by the submitters: PubMed 17576681; PubMed 9536098.